The following is an entry in ClinVar:

NM_000551.4(VHL):c.292T>A (p.Tyr98Asn)

Gene: VHL (von Hippel-Lindau tumor suppressor; plus strand). Cytogenetic location: 3p25.3.
Variant type: single nucleotide variant.
Coding change: c.292T>A on transcript NM_000551.4 (MANE Select); coding-DNA position 292, T replaced by A.
Protein change: p.Tyr98Asn; replaces tyrosine 98 with asparagine.
Molecular consequence: missense variant. On other transcripts: non-coding transcript variant (1).
Genome position (GRCh38, 1-based): chr3:10,142,139, T>A. VCF-style: chr3-10142139-T-A. GRCh37 (hg19) VCF-style: chr3-10183823-T-A.
Other names: c.292T>A, p.Tyr98Asn (NM_001354723.2, NM_198156.3); short protein forms Y98N.
Identifiers: ClinVar variation 2627292 (VCV002627292.1), dbSNP rs5030809, ClinGen allele CA351750883.

ClinVar aggregate classification (germline): Pathogenic (1 of 4 stars; one submission).

Conditions:
Von Hippel-Lindau syndrome (VHLS). Also called: Von Hippel-Lindau; von Hippel–Lindau syndrome; VHL syndrome. Identifiers: Orphanet 892, MedGen C0019562, MONDO:0008667, OMIM 193300. Disease mechanism: loss of function.

Submission:

Women's Health and Genetics/Laboratory Corporation of America, LabCorp
Classification: Pathogenic for Von Hippel-Lindau syndrome. Last evaluated: 2023-09-21. Review status: criteria provided, single submitter. Criteria: LabCorp Variant Classification Summary - May 2015. Collection method: clinical testing. Allele origin: germline.
Comment: Variant summary: VHL c.292T>A (p.Tyr98Asn) results in a non-conservative amino acid change located in the von Hippel-Lindau disease tumour suppressor, beta/alpha domain (IPR022772) of the encoded protein sequence. Four of five in-silico tools predict a damaging effect of the variant on protein function. The variant was absent in 223372 control chromosomes (gnomAD). c.292T>A has been reported in the literature in multiple individuals affected with Von Hippel-Lindau Syndrome (examples: Liu_2018, Krzystolik_2016). Other variants affecting the same residue (p.Tyr98His, p.Tyr98Cys) have been classifed pathogenic internally and in ClinVar (CV IDs: 2223, 223176). These data indicate that the variant is very likely to be associated with disease. The following publications have been ascertained in the context of this evaluation (PMID: 29595810, 26308528). No submitters have cited clinical-significance assessments for this variant to ClinVar after 2014. Based on the evidence outlined above, the variant was classified as pathogenic.

Literature cited by the submitters: PubMed 29595810; PubMed 26308528.